The following is an entry in ClinVar:

NM_014915.3(ANKRD26):c.606A>G (p.Lys202=)

Gene: ANKRD26 (ankyrin repeat domain 26; minus strand). Cytogenetic location: 10p12.1.
Variant type: single nucleotide variant.
Coding change: c.606A>G on transcript NM_014915.3 (MANE Select); coding-DNA position 606, A replaced by G.
Protein change: p.Lys202=; no amino-acid change (lysine 202 retained).
Molecular consequence: synonymous variant.
Genome position (GRCh38, 1-based): chr10:27,092,438, T>C on the plus strand (A>G on the coding strand, the complement: ANKRD26 is on the minus strand). VCF-style: chr10-27092438-T-C. GRCh37 (hg19) VCF-style: chr10-27381367-T-C.
Other names: c.606A>G, p.Lys202= (NM_001256053.2).
Identifiers: ClinVar variation 2755222 (VCV002755222.5), dbSNP rs951220060, ClinGen allele CA204450250.

ClinVar aggregate classification (germline): Likely benign. Review status: criteria provided, multiple submitters, no conflicts (2 of 4 stars). 3 submissions from 3 submitters: Likely benign (3). Last evaluated 2024-12-04.

Conditions:
Inborn genetic diseases. Identifiers: MedGen C0950123, MeSH D030342.

Allele frequency attached by ClinVar (database versions not stated): gnomAD exomes 0.00001; TOPMed 0.00001.
gnomAD v4.1: 7 of 1,613,266 alleles (0.00043%); highest among the groups gnomAD compares: Admixed American, 0.01%; no homozygotes.

Submissions (3):

Women's Health and Genetics/Laboratory Corporation of America, LabCorp
Classification: Likely benign. Last evaluated: 2024-12-04. Review status: criteria provided, single submitter. Criteria: LabCorp Variant Classification Summary - May 2015. Collection method: clinical testing. Allele origin: germline.
Comment: Variant summary: ANKRD26 c.606A>G alters a non-conserved nucleotide resulting in a synonymous change. Consensus agreement among computation tools predict no significant impact on normal splicing. However, these predictions have yet to be confirmed by functional studies. The variant allele was found at a frequency of 2.4e-05 in 248838 control chromosomes. The available data on variant occurrences in the general population are insufficient to allow any conclusion about variant significance. To our knowledge, no occurrence of c.606A>G in individuals affected with Thrombocytopenia 2 and no experimental evidence demonstrating its impact on protein function have been reported. ClinVar contains an entry for this variant (Variation ID: 2755222). Based on the evidence outlined above, the variant was classified as likely benign.

Ambry Genetics
Classification: Likely benign for Inborn genetic diseases. Last evaluated: 2024-11-25. Review status: criteria provided, single submitter. Criteria: Ambry Variant Classification Scheme 2023. Collection method: clinical testing. Allele origin: germline.

Labcorp Genetics (formerly Invitae), Labcorp
Classification: Likely benign. Last evaluated: 2024-05-22. Review status: criteria provided, single submitter. Criteria: Invitae Variant Classification Sherloc (09022015). Collection method: clinical testing. Allele origin: germline.